The following is an entry in ClinVar:

ClinVar aggregate classification (germline): Uncertain significance (1 of 4 stars; one submission).

Conditions:
Charcot-Marie-Tooth disease axonal type 2Z. Also called: CHARCOT-MARIE-TOOTH DISEASE, AXONAL, AUTOSOMAL DOMINANT, TYPE 2Z; CHARCOT-MARIE-TOOTH NEUROPATHY, TYPE 2Z. Identifiers: Orphanet 466768, MedGen C5569025, MONDO:0014736, OMIM 616688.

Submission:

Labcorp Genetics (formerly Invitae), Labcorp
Classification: Uncertain significance for Charcot-Marie-Tooth disease axonal type 2Z. Last evaluated: 2020-10-29. Review status: criteria provided, single submitter. Criteria: Invitae Variant Classification Sherloc (09022015). Collection method: clinical testing. Allele origin: germline.
Comment: In summary, the available evidence is currently insufficient to determine the role of this variant in disease. Therefore, it has been classified as a Variant of Uncertain Significance. Advanced modeling of protein sequence and biophysical properties (such as structural, functional, and spatial information, amino acid conservation, physicochemical variation, residue mobility, and thermodynamic stability) performed at Invitae indicates that this missense variant is expected to disrupt MORC2 protein function. This variant has not been reported in the literature in individuals with MORC2-related conditions. This variant is not present in population databases (ExAC no frequency). This sequence change replaces proline with leucine at codon 177 of the MORC2 protein (p.Pro177Leu). The proline residue is highly conserved and there is a moderate physicochemical difference between proline and leucine.

NM_001303256.3(MORC2):c.530C>T (p.Pro177Leu)

Gene: MORC2 (MORC family CW-type zinc finger 2; minus strand). Cytogenetic location: 22q12.2.
Variant type: single nucleotide variant.
Coding change: c.530C>T on transcript NM_001303256.3 (MANE Select); coding-DNA position 530, C replaced by T.
Protein change: p.Pro177Leu; replaces proline 177 with leucine.
Molecular consequence: missense variant.
Genome position (GRCh38, 1-based): chr22:30,942,168, G>A on the plus strand (C>T on the coding strand, the complement: MORC2 is on the minus strand). VCF-style: chr22-30942168-G-A. GRCh37 (hg19) VCF-style: chr22-31338155-G-A.
Other names: c.530C>T, p.Pro177Leu (NM_001303257.2); c.344C>T, p.Pro115Leu (NM_014941.3); short protein forms P177L, P115L.
Identifiers: ClinVar variation 1502691 (VCV001502691.6), dbSNP rs2147267049, ClinGen allele CA411243656.
Genomic context (GRCh38, chr22:30,942,168, plus strand): 5'-TTACCGCTGTCCCCAGGAATCTTCATAAACTGGGTCATCACTTCCTCCTCAGTGCGGAAT[G>A]GAGAGTACTTATAGATGAGTTCTGTCTCAATGGCAAATTTCTCTACATTGTCTGTGACAG-3'
Protein context (NP_001290185.1, residues 167-187): IETELIYKYS[Pro177Leu]FRTEEEVMTQ